The following is an entry in ClinVar:

ClinVar aggregate classification (germline): Pathogenic. Review status: criteria provided, multiple submitters, no conflicts (2 of 4 stars). 9 submissions from 9 submitters: Pathogenic (7). 2 of the submissions do not count toward it. Last evaluated 2025-09-02.

Conditions:
PAH-related disorder. Also called: PAH-related condition.
Phenylketonuria (PKU). Also called: Phenylketonuria (PKU); FOLLING DISEASE; OLIGOPHRENIA PHENYLPYRUVICA; Phenylketonurias. Identifiers: Orphanet 716, MedGen C0031485, MONDO:0009861, OMIM 261600. Disease mechanism: loss of function.

Allele frequency attached by ClinVar (database versions not stated): TOPMed below 0.00001; ExAC 0.00001; gnomAD 0.00001.
gnomAD v4.1: 8 of 1,613,994 alleles (0.0005%); highest among the groups gnomAD compares: Non-Finnish European, 0.00068%; no homozygotes.

Submissions (9):

Labcorp Genetics (formerly Invitae), Labcorp
Classification: Pathogenic for Phenylketonuria. Last evaluated: 2025-09-02. Review status: criteria provided, single submitter. Criteria: Invitae Variant Classification Sherloc (09022015). Collection method: clinical testing. Allele origin: germline.
Comment: This sequence change replaces valine, which is neutral and non-polar, with alanine, which is neutral and non-polar, at codon 190 of the PAH protein (p.Val190Ala). This variant is not present in population databases (gnomAD no frequency). This missense change has been observed in individual(s) with PAH-related diseases (PMID: 9452062, 11486900, 17502162, 26666653; internal data). In at least one individual the data is consistent with being in trans (on the opposite chromosome) from a pathogenic variant. ClinVar contains an entry for this variant (Variation ID: 102740). Invitae Evidence Modeling of protein sequence and biophysical properties (such as structural, functional, and spatial information, amino acid conservation, physicochemical variation, residue mobility, and thermodynamic stability) has been performed for this missense variant. However, the output from this modeling did not meet the statistical confidence thresholds required to predict the impact of this variant on PAH protein function. Experimental studies have shown that this missense change does not substantially affect PAH function (PMID: 15557004). For these reasons, this variant has been classified as Pathogenic.

Natera, Inc.
Classification: Pathogenic for Phenylketonuria. Last evaluated: 2025-02-11. Review status: criteria provided, single submitter. Criteria: Natera Variant Classification Schema (03/2026). Collection method: clinical testing. Allele origin: germline.
Comment: The c.569T>C variant in PAH is a missense variant predicted to cause substitution of valine to alanine at amino acid 190. This variant is rare in the general population with a frequency below the threshold expected for the associated phenotype(s). This variant has been observed in one or more individuals affected with the associated recessive disease, as either homozygous or compound heterozygous with a second variant (PMID: 23842451, 22841515). Computational prediction algorithms indicate this variant is likely to affect gene or protein function. Given the available evidence, this variant is classified as Pathogenic.

PreventionGenetics, part of Exact Sciences
Classification: Pathogenic for PAH-related condition. Last evaluated: 2025-01-08. Review status: criteria provided, single submitter. Criteria: ACMG Guidelines, 2015. Collection method: clinical testing. Allele origin: germline.
Comment: The PAH c.569T>C variant is predicted to result in the amino acid substitution p.Val190Ala. This variant has been reported in several individuals with phenylalanine hydroxylase deficiency (Michiels et al. 1998. PubMed ID: 9452062; Spaapen et al. 2001. PubMed ID: 11486900; Jeannesson-Thivisol et al. 2015. PubMed ID: 26666653; Table S3, Hillert et al. 2020. PubMed ID: 32668217). In vitro studies in COS cells suggest this variant results in 40% enzyme activity (Himmelreich et al. 2018. PubMed ID: 30037505). This variant has not been reported in a large population database (gnomAD), indicating this variant is rare. Other missense changes impacting the same amino acid (p.Val190Gly, p.Val190Met, and p.Val190Glu) have also been reported in individuals with hyperphenylalaninemia (Table S3, Hillert et al. 2020. PubMed ID: 32668217; Rovelli et al. 2023. PubMed ID: 36537053), suggesting the p.Val190 residue is important for PAH function. Taken together, the c.569T>C (p.Val190Ala) variant is interpreted as pathogenic.

Blueprint Genetics
Classification: Pathogenic for PAH-related disorders. Last evaluated: 2024-08-19. Review status: criteria provided, single submitter. Criteria: ACMG Guidelines, 2015. Collection method: clinical testing. Allele origin: germline. Affected: yes. Observed: 1 variant allele.

Baylor Genetics
Classification: Pathogenic for Phenylketonuria. Last evaluated: 2023-10-22. Review status: criteria provided, single submitter. Criteria: ACMG Guidelines, 2015. Collection method: clinical testing. Allele origin: unknown.

Department of Pathology and Laboratory Medicine, Sinai Health System
Classification: Pathogenic for Phenylketonuria. Last evaluated: 2022-03-22. Review status: criteria provided, single submitter. Criteria: ACMG Guidelines, 2015. Collection method: research. Allele origin: germline.

Women's Health and Genetics/Laboratory Corporation of America, LabCorp
Classification: Pathogenic for Phenylketonuria. Last evaluated: 2020-05-25. Review status: criteria provided, single submitter. Criteria: LabCorp Variant Classification Summary - May 2015. Collection method: clinical testing. Allele origin: germline.
Comment: Variant summary: PAH c.569T>C (p.Val190Ala) results in a non-conservative amino acid change located in the Aromatic amino acid hydroxylase, C-terminal domain (IPR019774) of the encoded protein sequence. Five of five in-silico tools predict a damaging effect of the variant on protein function. The variant was absent in 251330 control chromosomes. c.569T>C has been reported in the literature among compound heterozygote genotypes in multiple individuals affected with Phenylalanine Hydroxylase Deficiency (Phenylketonuria) (example, Michiels_1998, Spaapen_2001, Dobrowlski_2007, Jeannesson-Thivisol_2015, Kuznetcova_2019, Quirk_2012). These data indicate that the variant is very likely to be associated with disease. Several publications report conflicting experimental evidence evaluating an impact on protein function (example, Erlandsen_2004, Zurfluh_2008, Himmelreich_2018). The most pronounced variant effect results in 30%-50% of normal activity (Himmelreich_2018). Two clinical diagnostic laboratories have submitted clinical-significance assessments for this variant to ClinVar after 2014 without evidence for independent evaluation. All laboratories classified the variant as pathogenic. Based on the evidence outlined above, the variant was classified as pathogenic.

Counsyl
Classification: Pathogenic for Phenylketonuria. Last evaluated: 2017-01-11. Review status: no assertion criteria provided. Collection method: clinical testing. Allele origin: unknown. Not counted in ClinVar's aggregate classification.

DeBelle Laboratory for Biochemical Genetics, MUHC/MCH RESEARCH INSTITUTE
No classification provided. Review status: no classification provided. Collection method: not provided. Allele origin: not provided. Not counted in ClinVar's aggregate classification.

Literature cited by the submitters: PubMed 9452062 (cited by 3 submitters); PubMed 11486900 (cited by 3 submitters); PubMed 17502162 (cited by 3 submitters); PubMed 26666653 (cited by 3 submitters); PubMed 15557004 (cited by 3 submitters); PubMed 23842451 (cited by Natera, Inc. and Counsyl); PubMed 22841515 (cited by 3 submitters); PubMed 17935162 (cited by Women's Health and Genetics/Laboratory Corporation of America, LabCorp and Counsyl); PubMed 30037505 (cited by Women's Health and Genetics/Laboratory Corporation of America, LabCorp); PubMed 31332730 (cited by Women's Health and Genetics/Laboratory Corporation of America, LabCorp); PubMed 23357515 (cited by Counsyl); PubMed 10679941 (cited by Counsyl); PubMed 22513348 (cited by Counsyl); PubMed 22112818 (cited by Counsyl).

NM_000277.3(PAH):c.569T>C (p.Val190Ala)

Gene: PAH (phenylalanine hydroxylase; minus strand). Cytogenetic location: 12q23.2.
Variant type: single nucleotide variant.
Coding change: c.569T>C on transcript NM_000277.3 (MANE Select); coding-DNA position 569, T replaced by C.
Protein change: p.Val190Ala; replaces valine 190 with alanine.
Molecular consequence: missense variant.
Genome position (GRCh38, 1-based): chr12:102,855,273, A>G on the plus strand (T>C on the coding strand, the complement: PAH is on the minus strand). VCF-style: chr12-102855273-A-G. GRCh37 (hg19) VCF-style: chr12-103249051-A-G.
Other names: c.569T>C, p.Val190Ala (NM_001354304.2); c.569T>C (NM_000277.2); short protein forms V190A.
Identifiers: ClinVar variation 102740 (VCV000102740.14), dbSNP rs62514919, ClinGen allele CA229631.
Genomic context (GRCh38, chr12:102,855,273, plus strand): 5'-AAAATGTGATTGTACTCATAGCAAGCATGGGTTTTATACAAGGACTTCAGAGTCTTGAAC[A>G]CTGTGCCCCATGTTTTCTTTTCTTCCTCCATGTATTCCACTCGAGGGATGGGCTGCCCAC-3'
Protein context (NP_000268.1, residues 180-200): MEEEKKTWGT[Val190Ala]FKTLKSLYKT